The following is an entry in ClinVar:

NM_000484.4(APP):c.1794C>T (p.Thr598=)

Gene: APP (amyloid beta precursor protein; minus strand). Cytogenetic location: 21q21.3.
Variant type: single nucleotide variant.
Coding change: c.1794C>T on transcript NM_000484.4 (MANE Select); coding-DNA position 1794, C replaced by T.
Protein change: p.Thr598=; no amino-acid change (threonine 598 retained).
Molecular consequence: synonymous variant.
Genome position (GRCh38, 1-based): chr21:25,911,856, G>A on the plus strand (C>T on the coding strand, the complement: APP is on the minus strand). VCF-style: chr21-25911856-G-A. GRCh37 (hg19) VCF-style: chr21-27284168-G-A.
Other names: c.1722C>T, p.Thr574= (NM_001136016.3); c.1401C>T, p.Thr467= (NM_001136129.3); c.1626C>T, p.Thr542= (NM_001136130.3, NM_001385253.1); c.1464C>T, p.Thr488= (NM_001136131.3); c.1794C>T, p.Thr598= (NM_001204301.2); c.1737C>T, p.Thr579= (NM_001204302.2, NM_201413.3); c.1569C>T, p.Thr523= (NM_001204303.2, NM_201414.3).
Identifiers: ClinVar variation 704956 (VCV000704956.45), dbSNP rs201817181, ClinGen allele CA9987195.

ClinVar aggregate classification (germline): Likely benign. Review status: criteria provided, multiple submitters, no conflicts (2 of 4 stars). 3 submissions from 3 submitters: Likely benign (3). Last evaluated 2026-04-01.

Conditions:
Alzheimer disease. Also called: Presenile and senile dementia; Alzheimer's disease. Identifiers: Orphanet 1020, MedGen C0002395, MeSH D000544, MONDO:0004975, HP:0002511.

Allele frequency attached by ClinVar (database versions not stated): ESP Exome Variant Server 0.00015; ExAC 0.00017; gnomAD 0.00018; gnomAD exomes 0.00019; TOPMed 0.00019.
gnomAD v4.1: 518 of 1,613,940 alleles (0.032%); highest among the groups gnomAD compares: Non-Finnish European, 0.04%; no homozygotes.

Submissions (3):

CeGaT Center for Human Genetics Tuebingen
Classification: Likely benign. Last evaluated: 2026-04-01. Review status: criteria provided, single submitter. Criteria: CeGaT Center For Human Genetics Tuebingen Variant Classification Criteria Version 2. Collection method: clinical testing. Allele origin: germline. Affected: yes. Observed: 3 variant alleles.
Comment: APP: BP4, BP7

Labcorp Genetics (formerly Invitae), Labcorp
Classification: Likely benign for Alzheimer disease. Last evaluated: 2026-02-03. Review status: criteria provided, single submitter. Criteria: Invitae Variant Classification Sherloc (09022015). Collection method: clinical testing. Allele origin: germline.

Women's Health and Genetics/Laboratory Corporation of America, LabCorp
Classification: Likely benign. Last evaluated: 2024-07-25. Review status: criteria provided, single submitter. Criteria: LabCorp Variant Classification Summary - May 2015. Collection method: clinical testing. Allele origin: germline.